The following is an entry in ClinVar:

NM_000428.3(LTBP2):c.1218C>T (p.Asn406=)

Gene: LTBP2 (latent transforming growth factor beta binding protein 2; minus strand). Cytogenetic location: 14q24.3.
Variant type: single nucleotide variant.
Coding change: c.1218C>T on transcript NM_000428.3 (MANE Select); coding-DNA position 1218, C replaced by T.
Protein change: p.Asn406=; no amino-acid change (asparagine 406 retained).
Molecular consequence: synonymous variant.
Genome position (GRCh38, 1-based): chr14:74,552,368, G>A on the plus strand (C>T on the coding strand, the complement: LTBP2 is on the minus strand). VCF-style: chr14-74552368-G-A. GRCh37 (hg19) VCF-style: chr14-75019071-G-A.
Identifiers: ClinVar variation 745902 (VCV000745902.33), dbSNP rs139187713, ClinGen allele CA7269951.

ClinVar aggregate classification (germline): Likely benign. Review status: criteria provided, multiple submitters, no conflicts (2 of 4 stars). 3 submissions from 3 submitters: Likely benign (3). Last evaluated 2026-01-11.

Allele frequency attached by ClinVar (database versions not stated): 1000 Genomes Project 30x 0.00016; gnomAD exomes 0.00016; ExAC 0.00018; 1000 Genomes Project 0.00020; gnomAD 0.00021 and 0.00022; TOPMed 0.00021; ESP Exome Variant Server 0.00031.

Submissions (3):

Labcorp Genetics (formerly Invitae), Labcorp
Classification: Likely benign. Last evaluated: 2026-01-11. Review status: criteria provided, single submitter. Criteria: Invitae Variant Classification Sherloc (09022015). Collection method: clinical testing. Allele origin: germline.

Blueprint Genetics
Classification: Likely benign. Last evaluated: 2024-05-30. Review status: criteria provided, single submitter. Criteria: ACMG Guidelines, 2015. Collection method: clinical testing. Allele origin: germline.

CeGaT Center for Human Genetics Tuebingen
Classification: Likely benign. Last evaluated: 2022-03-01. Review status: criteria provided, single submitter. Criteria: CeGaT Center For Human Genetics Tuebingen Variant Classification Criteria Version 2. Collection method: clinical testing. Allele origin: germline. Affected: yes. Observed: 1 variant allele.
Comment: LTBP2: BP4, BP7